The following is an entry in ClinVar:

NM_006924.5(SRSF1):c.430G>A (p.Ala144Thr)

Genes: SRSF1 (serine and arginine rich splicing factor 1; minus strand), LOC126862603 (BRD4-independent group 4 enhancer GRCh37_chr17:56082218-56083417; plus strand). Cytogenetic location: 17q22.
Variant type: single nucleotide variant.
Coding change: c.430G>A on transcript NM_006924.5 (MANE Select); coding-DNA position 430, G replaced by A.
Protein change: p.Ala144Thr; replaces alanine 144 with threonine.
Molecular consequence: missense variant. On other transcripts: non-coding transcript variant (2).
Genome position (GRCh38, 1-based): chr17:58,005,923, C>T on the plus strand (G>A on the coding strand, the complement: SRSF1 is on the minus strand). VCF-style: chr17-58005923-C-T. GRCh37 (hg19) VCF-style: chr17-56083284-C-T.
Other names: c.430G>A, p.Ala144Thr (NM_001078166.2); short protein forms A144T.
Identifiers: ClinVar variation 3391566 (VCV003391566.1).

ClinVar aggregate classification (germline): Uncertain significance (1 of 4 stars; one submission).

Submission:

GeneDx
Classification: Uncertain significance. Last evaluated: 2024-06-14. Review status: criteria provided, single submitter. Criteria: GeneDx Variant Classification Process June 2021. Collection method: clinical testing. Allele origin: germline. Affected: yes.
Comment: Not observed at significant frequency in large population cohorts (gnomAD); In silico analysis supports that this missense variant has a deleterious effect on protein structure/function; Has not been previously published as pathogenic or benign to our knowledge